The following is an entry in ClinVar:

ClinVar aggregate classification (germline): Uncertain significance (1 of 4 stars; one submission).

Allele frequency attached by ClinVar (database versions not stated): ESP Exome Variant Server 0.00008.
gnomAD v4.1: 4 of 1,614,086 alleles (0.00025%); highest among the groups gnomAD compares: African/African-American, 0.0027%; no homozygotes.

Submission:

Labcorp Genetics (formerly Invitae), Labcorp
Classification: Uncertain significance. Last evaluated: 2024-02-01. Review status: criteria provided, single submitter. Criteria: Invitae Variant Classification Sherloc (09022015). Collection method: clinical testing. Allele origin: germline.
Comment: This sequence change replaces isoleucine, which is neutral and non-polar, with leucine, which is neutral and non-polar, at codon 1419 of the ARID1B protein (p.Ile1419Leu). This variant is not present in population databases (gnomAD no frequency). This variant has not been reported in the literature in individuals affected with ARID1B-related conditions. Algorithms developed to predict the effect of missense changes on protein structure and function output the following: SIFT: "Not Available"; PolyPhen-2: "Benign"; Align-GVGD: "Not Available". The leucine amino acid residue is found in multiple mammalian species, which suggests that this missense change does not adversely affect protein function. In summary, the available evidence is currently insufficient to determine the role of this variant in disease. Therefore, it has been classified as a Variant of Uncertain Significance.

NM_001374828.1(ARID1B):c.4624A>C (p.Ile1542Leu)

Gene: ARID1B (AT-rich interaction domain 1B; plus strand). Cytogenetic location: 6q25.3.
Variant type: single nucleotide variant.
Coding change: c.4624A>C on transcript NM_001374828.1 (MANE Select); coding-DNA position 4624, A replaced by C.
Protein change: p.Ile1542Leu; replaces isoleucine 1542 with leucine.
Molecular consequence: missense variant.
Genome position (GRCh38, 1-based): chr6:157,200,849, A>C. VCF-style: chr6-157200849-A-C. GRCh37 (hg19) VCF-style: chr6-157521983-A-C.
Other names: c.4375A>C, p.Ile1459Leu (NM_001346813.1); c.2125A>C, p.Ile709Leu (NM_001363725.2); c.4504A>C, p.Ile1502Leu (NM_001371656.1, NM_001374820.1); c.4465A>C, p.Ile1489Leu (NM_017519.3); c.4255A>C, p.Ile1419Leu (NM_020732.3); c.4042A>C, p.Ile1348Leu (NM_175863.2); short protein forms I1348L, I1489L, I1542L, I709L, I1419L, I1459L, I1502L.
Identifiers: ClinVar variation 2804747 (VCV002804747.3), dbSNP rs376225642, ClinGen allele CA150369797.